The following is an entry in ClinVar:

ClinVar aggregate classification (germline): Likely pathogenic (1 of 4 stars; one submission).

Conditions:
Lymphatic malformation 6 (LMPHM6). Also called: GENERALIZED LYMPHATIC DYSPLASIA OF FOTIOU; Lymphedema, hereditary, III; PIEZO1-related generalized lymphatic dysplasia with non-immune hydrops fetalis. Identifiers: Orphanet 568062, MedGen C4225184, MONDO:0014797, OMIM 616843.

Submission:

First Genomix Gene Laboratory, Genetic Diagnostics Department
Classification: Likely pathogenic for Lymphatic malformation 6. Last evaluated: 2025-03-20. Review status: criteria provided, single submitter. Criteria: ACMG Guidelines, 2015. Collection method: clinical testing. Allele origin: germline. Inheritance: Autosomal recessive inheritance. Affected: no. Observed: 1 variant allele.

NM_001142864.4(PIEZO1):c.7049+1G>T

Gene: PIEZO1 (piezo type mechanosensitive ion channel component 1 (Er blood group); minus strand). Cytogenetic location: 16q24.3.
Variant type: single nucleotide variant.
Coding change: c.7049+1G>T on transcript NM_001142864.4 (MANE Select); the canonical splice donor site of the intron after coding-DNA position 7049, G replaced by T.
Molecular consequence: splice donor variant.
Genome position (GRCh38, 1-based): chr16:88,716,360, C>A on the plus strand (G>T on the coding strand, the complement: PIEZO1 is on the minus strand). VCF-style: chr16-88716360-C-A. GRCh37 (hg19) VCF-style: chr16-88782768-C-A.
Identifiers: ClinVar variation 4845773 (VCV004845773.1).